The following is an entry in ClinVar:

ClinVar aggregate classification (germline): Pathogenic (1 of 4 stars; one submission).

Conditions:
Cardiovascular phenotype. Identifiers: MedGen CN230736.

Submission:

Ambry Genetics
Classification: Pathogenic for Cardiovascular phenotype. Last evaluated: 2025-05-07. Review status: criteria provided, single submitter. Criteria: Ambry Variant Classification Scheme 2023. Collection method: clinical testing. Allele origin: germline.
Comment: The c.750delT (p.F250Lfs*31) alteration, located in exon 6 (coding exon 6) of the DSC2 gene, consists of a deletion of one nucleotide at position 750, causing a translational frameshift with a predicted alternate stop codon after 31 amino acids. This alteration is expected to result in loss of function by premature protein truncation or nonsense-mediated mRNA decay. This variant was not reported in population-based cohorts in the Genome Aggregation Database (gnomAD). Based on the available evidence, this alteration is classified as pathogenic.

NM_024422.6(DSC2):c.750del (p.Phe250fs)

Gene: DSC2 (desmocollin 2; minus strand). Cytogenetic location: 18q12.1.
Variant type: Deletion.
Coding change: c.750del on transcript NM_024422.6 (MANE Select); coding-DNA position 750, one base deleted (T; older notation c.750delT).
Protein change: p.Phe250fs; shifts the reading frame from phenylalanine 250.
Molecular consequence: frameshift variant.
Genome position (GRCh38, 1-based): chr18:31,087,694, A deleted on the plus strand (T on the coding strand, the reverse complement: DSC2 is on the minus strand); the first of 4 consecutive A bases (chr18:31,087,694-31,087,697); deleting any one gives the same sequence. VCF-style (leftmost placement, unchanged base first): chr18-31087693-TA-T. GRCh37 (hg19) VCF-style: chr18-28667656-TA-T.
Other names: c.321del, p.Phe107fs (NM_001406506.1, NM_001406507.1); c.750del, p.Phe250fs (NM_004949.5); short protein forms F107fs, F250fs.
Identifiers: ClinVar variation 4014910 (VCV004014910.1).